The following is an entry in ClinVar:

NM_014956.5(CEP164):c.3535A>G (p.Met1179Val)

Gene: CEP164 (centrosomal protein 164; plus strand). Cytogenetic location: 11q23.3.
Variant type: single nucleotide variant.
Coding change: c.3535A>G on transcript NM_014956.5 (MANE Select); coding-DNA position 3535, A replaced by G.
Protein change: p.Met1179Val; replaces methionine 1179 with valine.
Molecular consequence: missense variant.
Genome position (GRCh38, 1-based): chr11:117,407,958, A>G. VCF-style: chr11-117407958-A-G. GRCh37 (hg19) VCF-style: chr11-117278674-A-G.
Other names: c.3544A>G, p.Met1182Val (NM_001271933.2); short protein forms M1179V, M1182V.
Identifiers: ClinVar variation 1406656 (VCV001406656.3), dbSNP rs772378117, ClinGen allele CA229373179.

ClinVar aggregate classification (germline): Uncertain significance (1 of 4 stars; one submission).

Conditions:
Nephronophthisis 15 (NPHP15). Identifiers: Orphanet 3156, MedGen C3541853, MONDO:0013917, OMIM 614845.

Submission:

Labcorp Genetics (formerly Invitae), Labcorp
Classification: Uncertain significance for Nephronophthisis 15. Last evaluated: 2021-07-28. Review status: criteria provided, single submitter. Criteria: Invitae Variant Classification Sherloc (09022015). Collection method: clinical testing. Allele origin: germline.
Comment: This sequence change replaces methionine with valine at codon 1179 of the CEP164 protein (p.Met1179Val). The methionine residue is highly conserved and there is a small physicochemical difference between methionine and valine. This variant is not present in population databases (ExAC no frequency). This variant has not been reported in the literature in individuals affected with CEP164-related conditions. Algorithms developed to predict the effect of missense changes on protein structure and function output the following: SIFT: "Deleterious"; PolyPhen-2: "Benign"; Align-GVGD: "Class C0". The valine amino acid residue is found in multiple mammalian species, which suggests that this missense change does not adversely affect protein function. Algorithms developed to predict the effect of sequence changes on RNA splicing suggest that this variant may create or strengthen a splice site. In summary, the available evidence is currently insufficient to determine the role of this variant in disease. Therefore, it has been classified as a Variant of Uncertain Significance.